The following is an entry in ClinVar:

ClinVar aggregate classification (germline): Uncertain significance (1 of 4 stars; one submission).

Allele frequency attached by ClinVar (database versions not stated): TOPMed below 0.00001.

Submission:

Labcorp Genetics (formerly Invitae), Labcorp
Classification: Uncertain significance. Last evaluated: 2018-01-31. Review status: criteria provided, single submitter. Criteria: Invitae Variant Classification Sherloc (09022015). Collection method: clinical testing. Allele origin: germline.
Comment: This sequence change replaces glutamine with arginine at codon 1218 of the KIAA2022 protein (p.Gln1218Arg). The glutamine residue is highly conserved and there is a small physicochemical difference between glutamine and arginine. This variant is not present in population databases (ExAC no frequency). In summary, the available evidence is currently insufficient to determine the role of this variant in disease. Therefore, it has been classified as a Variant of Uncertain Significance. Algorithms developed to predict the effect of missense changes on protein structure and function (SIFT, PolyPhen-2, Align-GVGD) all suggest that this variant is likely to be disruptive, but these predictions have not been confirmed by published functional studies and their clinical significance is uncertain. This variant has not been reported in the literature in individuals with KIAA2022-related disease.

NM_001008537.3(NEXMIF):c.3653A>G (p.Gln1218Arg)

Gene: NEXMIF (neurite extension and migration factor; minus strand). Cytogenetic location: Xq13.3.
Variant type: single nucleotide variant.
Coding change: c.3653A>G on transcript NM_001008537.3 (MANE Select); coding-DNA position 3653, A replaced by G.
Protein change: p.Gln1218Arg; replaces glutamine 1218 with arginine.
Molecular consequence: missense variant.
Genome position (GRCh38, 1-based): chrX:74,740,904, T>C on the plus strand (A>G on the coding strand, the complement: NEXMIF is on the minus strand). VCF-style: chrX-74740904-T-C. GRCh37 (hg19) VCF-style: chrX-73960739-T-C.
Other names: short protein forms Q1218R.
Identifiers: ClinVar variation 566167 (VCV000566167.9), dbSNP rs946717276, ClinGen allele CA331301712.